The following is an entry in ClinVar:

NM_001378454.1(ALMS1):c.2293_2296del (p.Ser765fs)

Gene: ALMS1 (ALMS1 centrosome and basal body associated protein; plus strand). Cytogenetic location: 2p13.1.
Variant type: Deletion.
Coding change: c.2293_2296del on transcript NM_001378454.1 (MANE Select); coding-DNA positions 2293 to 2296, 4 bases deleted (TCAC; older notation c.2293_2296delTCAC).
Protein change: p.Ser765fs; shifts the reading frame from serine 765.
Molecular consequence: frameshift variant.
Genome position (GRCh38, 1-based): chr2:73,448,820-73,448,823, TCAC deleted; deleting any 4 consecutive bases within chr2:73,448,818-73,448,823 gives the same sequence; the c. name uses the placement nearest the transcript's 3' end. VCF-style (leftmost placement, unchanged base first): chr2-73448817-TACTC-T. GRCh37 (hg19) VCF-style: chr2-73675944-TACTC-T.
Other names: c.2296_2299del, p.Ser766fs (NM_015120.4); c.2296_2299delTCAC (NM_015120.4); short protein forms S766fs, S765fs.
Identifiers: ClinVar variation 554781 (VCV000554781.4), dbSNP rs1457500348, ClinGen allele CA658823023.

ClinVar aggregate classification (germline): Pathogenic. Review status: criteria provided, multiple submitters, no conflicts (2 of 4 stars). 3 submissions from 3 submitters: Pathogenic (2). 1 of the submissions does not count toward it. Last evaluated 2025-01-02.

Conditions:
Alstrom syndrome (ALMS). Identifiers: Orphanet 64, MedGen C0268425, MONDO:0008763, OMIM 203800.

Submissions (3):

GeneDx
Classification: Pathogenic. Last evaluated: 2025-01-02. Review status: criteria provided, single submitter. Criteria: GeneDx Variant Classification Process June 2021. Collection method: clinical testing. Allele origin: germline. Affected: yes.
Comment: Frameshift variant predicted to result in protein truncation or nonsense mediated decay in a gene for which loss-of-function is a known mechanism of disease; Not observed at significant frequency in large population cohorts (gnomAD); This variant is associated with the following publications: (PMID: 33969109)

Natera, Inc.
Classification: Pathogenic for Alstrom syndrome. Last evaluated: 2024-12-19. Review status: criteria provided, single submitter. Criteria: Natera Variant Classification Schema (03/2026). Collection method: clinical testing. Allele origin: germline.
Comment: The c.2296_2299delTCAC variant in ALMS1 is a frameshift variant predicted to shift the reading frame beginning at codon 766 and leads to a stop codon 13 codons downstream. This variant is expected to result in nonsense mediated decay, truncation, or a dysfunctional protein product. This variant is rare in the general population with a frequency below the threshold expected for the associated phenotype(s). This variant has been observed in one or more individuals affected with the associated recessive disease, as either homozygous or compound heterozygous with a second variant (PMID: 33969109). Given the available evidence, this variant is classified as Pathogenic.

Counsyl
Classification: Likely pathogenic for Alstrom syndrome. Last evaluated: 2017-11-07. Review status: no assertion criteria provided. Collection method: clinical testing. Allele origin: unknown. Not counted in ClinVar's aggregate classification.

Literature cited by the submitters: PubMed 33969109 (cited by Natera, Inc.).